The following is an entry in ClinVar:

NM_080732.4(EGLN2):c.302C>G (p.Thr101Ser)

Genes: EGLN2 (egl-9 family hypoxia inducible factor 2; plus strand), RAB4B-EGLN2 (RAB4B-EGLN2 readthrough (NMD candidate); plus strand). Cytogenetic location: 19q13.2.
Variant type: single nucleotide variant.
Coding change: c.302C>G on transcript NM_080732.4 (MANE Select); coding-DNA position 302, C replaced by G.
Protein change: p.Thr101Ser; replaces threonine 101 with serine.
Molecular consequence: missense variant. On other transcripts: non-coding transcript variant (1).
Genome position (GRCh38, 1-based): chr19:40,800,874, C>G. VCF-style: chr19-40800874-C-G. GRCh37 (hg19) VCF-style: chr19-41306779-C-G.
Other names: c.302C>G, p.Thr101Ser (NM_053046.4); short protein forms T101S.
Identifiers: ClinVar variation 3507291 (VCV003507291.1).

ClinVar aggregate classification (germline): Uncertain significance (1 of 4 stars; one submission).

Submission:

Ambry Genetics
Classification: Uncertain significance. Last evaluated: 2024-10-04. Review status: criteria provided, single submitter. Criteria: Ambry Variant Classification Scheme 2023. Collection method: clinical testing. Allele origin: germline.
Comment: The p.T101S variant (also known as c.302C>G), located in coding exon 1 of the EGLN2 gene, results from a C to G substitution at nucleotide position 302. The threonine at codon 101 is replaced by serine, an amino acid with similar properties. This amino acid position is conserved. In addition, this alteration is predicted to be tolerated by in silico analysis. Based on the available evidence, the clinical significance of this variant remains unclear.